The following is an entry in ClinVar:

NM_016333.4(SRRM2):c.266A>T (p.Glu89Val)

Gene: SRRM2 (serine/arginine repetitive matrix 2; plus strand). Cytogenetic location: 16p13.3.
Variant type: single nucleotide variant.
Coding change: c.266A>T on transcript NM_016333.4 (MANE Select); coding-DNA position 266, A replaced by T.
Protein change: p.Glu89Val; replaces glutamic acid 89 with valine.
Molecular consequence: missense variant.
Genome position (GRCh38, 1-based): chr16:2,757,495, A>T. VCF-style: chr16-2757495-A-T. GRCh37 (hg19) VCF-style: chr16-2807496-A-T.
Other names: short protein forms E89V.
Identifiers: ClinVar variation 3359768 (VCV003359768.1).
Genomic context (GRCh38, chr16:2,757,495, plus strand): 5'-CCTGTCGAGCTTAACCCTGAAGGGATTTGTTCTTCAGGTACGAGGAACAGCAAATTCAGG[A>T]AAAAGTGGCGACCTTTCGACTCATGTTGCTGGAGAAGGATGTGAACCCTGGGGGCAAGGA-3'
Protein context (NP_057417.3, residues 79-99): EQGYEEQQIQ[Glu89Val]KVATFRLMLL

ClinVar aggregate classification (germline): Uncertain significance (1 of 4 stars; one submission).

Submission:

GeneDx
Classification: Uncertain significance. Last evaluated: 2023-06-09. Review status: criteria provided, single submitter. Criteria: GeneDx Variant Classification Process June 2021. Collection method: clinical testing. Allele origin: germline. Affected: yes.
Comment: Not observed at significant frequency in large population cohorts (gnomAD); In silico analysis supports that this missense variant has a deleterious effect on protein structure/function; Has not been previously published as pathogenic or benign to our knowledge